The following is an entry in ClinVar:

NM_153603.4(COG7):c.1089C>T (p.Gly363=)

Gene: COG7 (component of oligomeric golgi complex 7; minus strand). Cytogenetic location: 16p12.2.
Variant type: single nucleotide variant.
Coding change: c.1089C>T on transcript NM_153603.4 (MANE Select); coding-DNA position 1089, C replaced by T.
Protein change: p.Gly363=; no amino-acid change (glycine 363 retained).
Molecular consequence: synonymous variant.
Genome position (GRCh38, 1-based): chr16:23,418,748, G>A on the plus strand (C>T on the coding strand, the complement: COG7 is on the minus strand). VCF-style: chr16-23418748-G-A. GRCh37 (hg19) VCF-style: chr16-23430069-G-A.
Identifiers: ClinVar variation 391793 (VCV000391793.15), dbSNP rs539939894, ClinGen allele CA7961089.

ClinVar aggregate classification (germline): Benign/Likely benign. Review status: criteria provided, multiple submitters, no conflicts (2 of 4 stars). 5 submissions from 5 submitters: Benign (1); Likely benign (3). 1 of the submissions does not count toward it. Last evaluated 2026-07-01.

Conditions:
COG7 congenital disorder of glycosylation (CDG2E). Also called: CDG IIe; CONGENITAL DISORDER OF GLYCOSYLATION, TYPE IIe. Identifiers: Orphanet 79333, MedGen C2931010, MONDO:0012118, OMIM 608779.
COG7-related disorder. Also called: COG7-related condition.

Allele frequency attached by ClinVar (database versions not stated): gnomAD below 0.00001 and 0.00023; TOPMed 0.00004; gnomAD exomes 0.00046 and 0.00090; 1000 Genomes Project 30x 0.00078; 1000 Genomes Project 0.00080; ExAC 0.00095.
gnomAD v4.1: 715 of 1,613,606 alleles (0.044%); highest among the groups gnomAD compares: South Asian, 0.73%; 8 homozygotes.

Submissions (5):

CeGaT Center for Human Genetics Tuebingen
Classification: Likely benign. Last evaluated: 2026-07-01. Review status: criteria provided, single submitter. Criteria: CeGaT Center For Human Genetics Tuebingen Variant Classification Criteria Version 2. Collection method: clinical testing. Allele origin: germline. Affected: yes. Observed: 1 variant allele.
Comment: COG7: BP4, BP7

Labcorp Genetics (formerly Invitae), Labcorp
Classification: Benign for COG7 congenital disorder of glycosylation. Last evaluated: 2026-02-01. Review status: criteria provided, single submitter. Criteria: Invitae Variant Classification Sherloc (09022015). Collection method: clinical testing. Allele origin: germline.

Blueprint Genetics
Classification: Likely benign. Last evaluated: 2024-09-05. Review status: criteria provided, single submitter. Criteria: ACMG Guidelines, 2015. Collection method: clinical testing. Allele origin: germline.

GeneDx
Classification: Likely benign. Last evaluated: 2016-12-19. Review status: criteria provided, single submitter. Criteria: GeneDx Variant Classification (06012015). Collection method: clinical testing. Allele origin: germline. Affected: yes.
Comment: This variant is considered likely benign or benign based on one or more of the following criteria: it is a conservative change, it occurs at a poorly conserved position in the protein, it is predicted to be benign by multiple in silico algorithms, and/or has population frequency not consistent with disease.

PreventionGenetics, part of Exact Sciences
Classification: Benign for COG7-related condition. Last evaluated: 2019-07-17. Review status: no assertion criteria provided. Collection method: clinical testing. Allele origin: germline. Not counted in ClinVar's aggregate classification.
Comment: This variant is classified as benign based on ACMG/AMP sequence variant interpretation guidelines (Richards et al. 2015 PMID: 25741868, with internal and published modifications).